The following is an entry in ClinVar:

ClinVar aggregate classification (germline): Uncertain significance. Review status: criteria provided, multiple submitters, no conflicts (2 of 4 stars). 2 submissions from 2 submitters: Uncertain significance (2). Last evaluated 2024-10-24.

Conditions:
Inborn genetic diseases. Identifiers: MedGen C0950123, MeSH D030342.

Allele frequency attached by ClinVar (database versions not stated): TOPMed 0.00001.
gnomAD v4.1: 1 of 1,613,700 alleles (0.000062%); highest among the groups gnomAD compares: Middle Eastern, 0.017%; no homozygotes.

Submissions (2):

Labcorp Genetics (formerly Invitae), Labcorp
Classification: Uncertain significance. Last evaluated: 2024-10-24. Review status: criteria provided, single submitter. Criteria: Invitae Variant Classification Sherloc (09022015). Collection method: clinical testing. Allele origin: germline.
Comment: This sequence change replaces glycine, which is neutral and non-polar, with glutamic acid, which is acidic and polar, at codon 516 of the ATP8A2 protein (p.Gly516Glu). This variant is not present in population databases (gnomAD no frequency). This variant has not been reported in the literature in individuals affected with ATP8A2-related conditions. ClinVar contains an entry for this variant (Variation ID: 1514301). Invitae Evidence Modeling of protein sequence and biophysical properties (such as structural, functional, and spatial information, amino acid conservation, physicochemical variation, residue mobility, and thermodynamic stability) indicates that this missense variant is not expected to disrupt ATP8A2 protein function with a negative predictive value of 80%. In summary, the available evidence is currently insufficient to determine the role of this variant in disease. Therefore, it has been classified as a Variant of Uncertain Significance.

Ambry Genetics
Classification: Uncertain significance for Inborn genetic diseases. Last evaluated: 2022-11-07. Review status: criteria provided, single submitter. Criteria: Ambry Variant Classification Scheme 2023. Collection method: clinical testing. Allele origin: germline.

NM_016529.6(ATP8A2):c.1547G>A (p.Gly516Glu)

Gene: ATP8A2 (ATPase phospholipid transporting 8A2). Cytogenetic location: 13q12.13.
Variant type: single nucleotide variant.
Coding change: c.1547G>A on transcript NM_016529.6 (MANE Select); coding-DNA position 1547, G replaced by A.
Protein change: p.Gly516Glu; replaces glycine 516 with glutamic acid.
Molecular consequence: missense variant.
Genome position (GRCh38, 1-based): chr13:25,570,840, G>A. VCF-style: chr13-25570840-G-A. GRCh37 (hg19) VCF-style: chr13-26144978-G-A.
Other names: c.1427G>A, p.Gly476Glu (NM_001313741.1); c.1547G>A (NM_016529.4); short protein forms G476E, G516E.
Identifiers: ClinVar variation 1514301 (VCV001514301.7), dbSNP rs867408012, ClinGen allele CA247149093.